The following is an entry in ClinVar:

ClinVar aggregate classification (germline): Uncertain significance (1 of 4 stars; one submission).

Submission:

Women's Health and Genetics/Laboratory Corporation of America, LabCorp
Classification: Uncertain significance. Last evaluated: 2024-09-03. Review status: criteria provided, single submitter. Criteria: LabCorp Variant Classification Summary - May 2015. Collection method: clinical testing. Allele origin: germline.
Comment: Variant summary: PLA2G6 c.1534T>A (p.Phe512Ile) results in a non-conservative amino acid change in the encoded protein sequence. Five of five in-silico tools predict a damaging effect of the variant on protein function. The variant was absent in 157748 control chromosomes. c.1534T>A has been reported in the literature in at-least three individuals affected with PLA2G6-Associated Neurodegeneration and early onset Parkinson disease (Chen_2022, Wan_2022, Zhao_2020). These data indicate that the variant may be associated with disease. To our knowledge, no experimental evidence demonstrating an impact on protein function has been reported. The following publications have been ascertained in the context of this evaluation (PMID: 35861376, 35911906, 32613234). No submitters have cited clinical-significance assessments for this variant to ClinVar. Based on the evidence outlined above, the variant was classified as VUS-possibly pathogenic.

Literature cited by the submitters: PubMed 35861376; PubMed 32613234; PubMed 35911906.

NM_003560.4(PLA2G6):c.1534T>A (p.Phe512Ile)

Gene: PLA2G6 (phospholipase A2 group VI; minus strand). Cytogenetic location: 22q13.1.
Variant type: single nucleotide variant.
Coding change: c.1534T>A on transcript NM_003560.4 (MANE Select); coding-DNA position 1534, T replaced by A.
Protein change: p.Phe512Ile; replaces phenylalanine 512 with isoleucine.
Molecular consequence: missense variant.
Genome position (GRCh38, 1-based): chr22:38,123,152, A>T on the plus strand (T>A on the coding strand, the complement: PLA2G6 is on the minus strand). VCF-style: chr22-38123152-A-T. GRCh37 (hg19) VCF-style: chr22-38519159-A-T.
Other names: c.1372T>A, p.Phe458Ile (NM_001004426.3, NM_001199562.3, NM_001349865.2 and 1 more transcripts); c.1534T>A, p.Phe512Ile (NM_001349864.2); c.1000T>A, p.Phe334Ile (NM_001349867.2); c.856T>A, p.Phe286Ile (NM_001349868.2); c.838T>A, p.Phe280Ile (NM_001349869.2); short protein forms F280I, F286I, F334I, F458I, F512I.
Identifiers: ClinVar variation 3375122 (VCV003375122.1).